The following is an entry in ClinVar:

NM_001114753.3(ENG):c.1686+8G>A

Genes: ENG (endoglin; minus strand), LOC102723566 (uncharacterized LOC102723566; plus strand). Cytogenetic location: 9q34.11.
Variant type: single nucleotide variant.
Coding change: c.1686+8G>A on transcript NM_001114753.3 (MANE Select); 8 bases into the intron after coding-DNA position 1686, G replaced by A.
Molecular consequence: intron variant.
Genome position (GRCh38, 1-based): chr9:127,818,112, C>T on the plus strand (G>A on the coding strand, the complement: ENG is on the minus strand). VCF-style: chr9-127818112-C-T. GRCh37 (hg19) VCF-style: chr9-130580391-C-T.
Other names: c.1686+8G>A (NM_000118.4, NM_000118.3); c.1140+8G>A (NM_001278138.2).
Identifiers: ClinVar variation 1104922 (VCV001104922.31), dbSNP rs372670034, ClinGen allele CA5252702.

ClinVar aggregate classification (germline): Likely benign. Review status: criteria provided, multiple submitters, no conflicts (2 of 4 stars). 3 submissions from 3 submitters: Likely benign (3). Last evaluated 2025-04-30.

Conditions:
Hereditary hemorrhagic telangiectasia (HHT). Also called: Osler hemorrhagic telangiectasia syndrome; ORW DISEASE; Osler Weber Rendu syndrome; OSLER-RENDU-WEBER DISEASE. Identifiers: Orphanet 774, MedGen C0039445, MONDO:0019180. Disease mechanism: loss of function.

gnomAD v4.1: 5 of 1,613,974 alleles (0.00031%); highest among the groups gnomAD compares: Middle Eastern, 0.066%; no homozygotes.

Submissions (3):

Women's Health and Genetics/Laboratory Corporation of America, LabCorp
Classification: Likely benign. Last evaluated: 2025-04-30. Review status: criteria provided, single submitter. Criteria: LabCorp Variant Classification Summary - May 2015. Collection method: clinical testing. Allele origin: germline.

Labcorp Genetics (formerly Invitae), Labcorp
Classification: Likely benign for Hereditary hemorrhagic telangiectasia. Last evaluated: 2025-03-11. Review status: criteria provided, single submitter. Criteria: Invitae Variant Classification Sherloc (09022015). Collection method: clinical testing. Allele origin: germline.

CeGaT Center for Human Genetics Tuebingen
Classification: Likely benign. Last evaluated: 2024-05-01. Review status: criteria provided, single submitter. Criteria: CeGaT Center For Human Genetics Tuebingen Variant Classification Criteria Version 2. Collection method: clinical testing. Allele origin: germline. Affected: yes. Observed: 1 variant allele.
Comment: ENG: BP4